The following is an entry in ClinVar:

ClinVar aggregate classification (germline): Conflicting classifications of pathogenicity. Review status: criteria provided, conflicting classifications (1 of 4 stars). 6 submissions from 6 submitters: Uncertain significance (4); Likely benign (2). Last evaluated 2024-10-01.

Conditions:
Hereditary cancer-predisposing syndrome. Also called: Hereditary Cancer Syndrome; Hereditary neoplastic syndrome; Tumor predisposition; Neoplastic Syndromes, Hereditary. Identifiers: Orphanet 140162, MedGen C0027672, MeSH D009386, MONDO:0015356.
Hereditary breast ovarian cancer syndrome. Also called: Hereditary breast and ovarian cancer syndrome; Hereditary breast and ovarian cancer syndrome (HBOC); BRCA1- and BRCA2-Associated Hereditary Breast and Ovarian Cancer; Breast and ovarian cancer; Hereditary breast and ovarian cancer; Hereditary breast and/or ovarian cancer syndrome. Identifiers: Orphanet 145, MedGen C0677776, MeSH D061325, MONDO:0003582. Disease mechanism: loss of function.
Breast-ovarian cancer, familial, susceptibility to, 1 (BROVCA1). Also called: OVARIAN CANCER, SUSCEPTIBILITY TO; BRCA1 Hereditary Breast and Ovarian Cancer. Identifiers: Orphanet 145, MedGen C2676676, MONDO:0011450, OMIM 604370. Disease mechanism: loss of function.

Allele frequency attached by ClinVar (database versions not stated): gnomAD exomes below 0.00001.

Submissions (6):

Labcorp Genetics (formerly Invitae), Labcorp
Classification: Uncertain significance for Hereditary breast ovarian cancer syndrome. Last evaluated: 2024-10-01. Review status: criteria provided, single submitter. Criteria: Invitae Variant Classification Sherloc (09022015). Collection method: clinical testing. Allele origin: germline.
Comment: This sequence change replaces lysine, which is basic and polar, with arginine, which is basic and polar, at codon 996 of the BRCA1 protein (p.Lys996Arg). This variant is not present in population databases (gnomAD no frequency). This variant has not been reported in the literature in individuals affected with BRCA1-related conditions. ClinVar contains an entry for this variant (Variation ID: 186373). Invitae Evidence Modeling of protein sequence and biophysical properties (such as structural, functional, and spatial information, amino acid conservation, physicochemical variation, residue mobility, and thermodynamic stability) indicates that this missense variant is not expected to disrupt BRCA1 protein function with a negative predictive value of 95%. In summary, the available evidence is currently insufficient to determine the role of this variant in disease. Therefore, it has been classified as a Variant of Uncertain Significance.

All of Us Research Program, National Institutes of Health
Classification: Uncertain significance for Breast-ovarian cancer, familial, susceptibility to, 1. Last evaluated: 2023-04-27. Review status: criteria provided, single submitter. Criteria: ACMG Guidelines, 2015. Collection method: clinical testing. Allele origin: germline. Inheritance: Autosomal dominant inheritance. Observed: 1 variant allele, 1 heterozygote.
Comment: This missense variant replaces lysine with arginine at codon 996 of the BRCA1 protein. Computational prediction suggests that this variant may not impact protein structure and function (internally defined REVEL score threshold <= 0.5, PMID: 27666373). To our knowledge, functional studies have not been reported for this variant. This variant has not been reported in individuals affected with hereditary cancer in the literature. This variant has not been identified in the general population by the Genome Aggregation Database (gnomAD). The available evidence is insufficient to determine the role of this variant in disease conclusively. Therefore, this variant is classified as a Variant of Uncertain Significance.

This study involves interpretation of variants in research participants for the purpose of population health screening. Participant phenotype was not available at the time of variant classification. Additional details can be found in publication PMID: 35346344, PMCID: PMC8962531

University of Washington Department of Laboratory Medicine, University of Washington
Classification: Likely benign for Hereditary cancer-predisposing syndrome. Last evaluated: 2023-03-23. Review status: criteria provided, single submitter. Criteria: Dines et al. (Genet Med. 2020). Collection method: curation. Allele origin: germline.
Comment: Missense variant in a coldspot region where missense variants are very unlikely to be pathogenic (PMID:31911673).

BRCA1 coldspot (exon 11 using historical exon numbering). Reclassification based on statistical prior probability

Color Diagnostics, LLC DBA Color Health
Classification: Uncertain significance for Hereditary cancer-predisposing syndrome. Last evaluated: 2022-05-16. Review status: criteria provided, single submitter. Criteria: ACMG Guidelines, 2015. Collection method: clinical testing. Allele origin: germline.
Comment: This missense variant replaces lysine with arginine at codon 996 of the BRCA1 protein. Computational prediction suggests that this variant may not impact protein structure and function (internally defined REVEL score threshold <= 0.5, PMID: 27666373). To our knowledge, functional studies have not been reported for this variant. This variant has not been reported in individuals affected with hereditary cancer in the literature. This variant has not been identified in the general population by the Genome Aggregation Database (gnomAD). The available evidence is insufficient to determine the role of this variant in disease conclusively. Therefore, this variant is classified as a Variant of Uncertain Significance.

GeneDx
Classification: Uncertain significance. Last evaluated: 2021-01-26. Review status: criteria provided, single submitter. Criteria: GeneDx Variant Classification Process June 2021. Collection method: clinical testing. Allele origin: germline. Affected: yes.
Comment: Has not been previously published as pathogenic or benign to our knowledge; Not observed in large population cohorts (Lek 2016); In silico analysis supports that this missense variant does not alter protein structure/function; Also known as 3106A>G

Ambry Genetics
Classification: Likely benign for Hereditary cancer-predisposing syndrome. Last evaluated: 2019-04-11. Review status: criteria provided, single submitter. Criteria: Ambry Variant Classification Scheme 2023. Collection method: clinical testing. Allele origin: germline.

NM_007294.4(BRCA1):c.2987A>G (p.Lys996Arg)

Gene: BRCA1 (BRCA1 DNA repair associated; minus strand). Cytogenetic location: 17q21.31.
Variant type: single nucleotide variant.
Coding change: c.2987A>G on transcript NM_007294.4 (MANE Select); coding-DNA position 2987, A replaced by G.
Protein change: p.Lys996Arg; replaces lysine 996 with arginine.
Molecular consequence: missense variant. On other transcripts: intron variant (137).
Genome position (GRCh38, 1-based): chr17:43,092,544, T>C on the plus strand (A>G on the coding strand, the complement: BRCA1 is on the minus strand). VCF-style: chr17-43092544-T-C. GRCh37 (hg19) VCF-style: chr17-41244561-T-C.
Other names: c.788-1512A>G (NM_001408403.1, NM_001407983.1, NM_001407975.1 and 17 more transcripts); c.791-1521A>G (NM_001408406.1); c.647-1512A>G (NM_001408456.1, NM_001408410.1, NM_001408458.1 and 11 more transcripts); c.644-1512A>G (NM_001408465.1, NM_001408463.1, NM_001408462.1 and 3 more transcripts); c.578-1512A>G (NM_001408482.1, NM_001408484.1, NM_001408478.1 and 9 more transcripts); c.521-1512A>G (NM_001408504.1, NM_001408503.1, NM_001408505.1); c.524-1512A>G (NM_001408499.1, NM_001408498.1, NM_001408501.1 and 3 more transcripts); c.671-1512A>G (NM_001408422.1, NM_001408418.1, NM_001408423.1 and 2 more transcripts); and 41 more; short protein forms K996R, K949R, K700R, K884R, K907R, K970R, K993R, K995R.
Identifiers: ClinVar variation 186373 (VCV000186373.27), dbSNP rs786202898, ClinGen allele CA001940.